The following is an entry in ClinVar:

ClinVar aggregate classification (germline): Uncertain significance. Review status: criteria provided, multiple submitters, no conflicts (2 of 4 stars). 2 submissions from 2 submitters: Uncertain significance (2). Last evaluated 2026-01-06.

Allele frequency attached by ClinVar (database versions not stated): gnomAD exomes below 0.00001; gnomAD 0.00001; TOPMed 0.00001.
gnomAD v4.1: 8 of 1,606,566 alleles (0.0005%); highest among the groups gnomAD compares: East Asian, 0.0022%; no homozygotes.

Submissions (2):

Labcorp Genetics (formerly Invitae), Labcorp
Classification: Uncertain significance. Last evaluated: 2026-01-06. Review status: criteria provided, single submitter. Criteria: Invitae Variant Classification Sherloc (09022015). Collection method: clinical testing. Allele origin: germline.
Comment: This sequence change replaces arginine, which is basic and polar, with glutamine, which is neutral and polar, at codon 38 of the OPA1 protein (p.Arg38Gln). This variant is not present in population databases (gnomAD no frequency). This variant has not been reported in the literature in individuals affected with OPA1-related conditions. ClinVar contains an entry for this variant (Variation ID: 1318718). Invitae Evidence Modeling of protein sequence and biophysical properties (such as structural, functional, and spatial information, amino acid conservation, physicochemical variation, residue mobility, and thermodynamic stability) indicates that this missense variant is not expected to disrupt OPA1 protein function with a negative predictive value of 95%. In summary, the available evidence is currently insufficient to determine the role of this variant in disease. Therefore, it has been classified as a Variant of Uncertain Significance.

GeneDx
Classification: Uncertain significance. Last evaluated: 2019-05-28. Review status: criteria provided, single submitter. Criteria: GeneDx Variant Classification Process June 2021. Collection method: clinical testing. Allele origin: germline. Affected: yes.
Comment: Not observed at a significant frequency in large population cohorts (Lek et al., 2016); In silico analysis, which includes protein predictors and evolutionary conservation, supports that this variant does not alter protein structure/function; Has not been previously published as pathogenic or benign to our knowledge

NM_130837.3(OPA1):c.113G>A (p.Arg38Gln)

Gene: OPA1 (OPA1 mitochondrial dynamin like GTPase; plus strand). Cytogenetic location: 3q29.
Variant type: single nucleotide variant.
Coding change: c.113G>A on transcript NM_130837.3 (MANE Select); coding-DNA position 113, G replaced by A.
Protein change: p.Arg38Gln; replaces arginine 38 with glutamine.
Molecular consequence: missense variant. On other transcripts: 5 prime UTR variant (2).
Genome position (GRCh38, 1-based): chr3:193,614,803, G>A. VCF-style: chr3-193614803-G-A. GRCh37 (hg19) VCF-style: chr3-193332592-G-A.
Other names: c.-260G>A (NM_001354663.2, NM_001354664.2); c.113G>A, p.Arg38Gln (NM_015560.3, NM_130831.3, NM_130832.3 and 4 more transcripts); short protein forms R38Q.
Identifiers: ClinVar variation 1318718 (VCV001318718.7), dbSNP rs866025924, ClinGen allele CA90567020.